The following is an entry in ClinVar:

NM_001540.5(HSPB1):c.52C>A (p.Pro18Thr)

Gene: HSPB1 (heat shock protein family B (small) member 1; plus strand). Cytogenetic location: 7q11.23.
Variant type: single nucleotide variant.
Coding change: c.52C>A on transcript NM_001540.5 (MANE Select); coding-DNA position 52, C replaced by A.
Protein change: p.Pro18Thr; replaces proline 18 with threonine.
Molecular consequence: missense variant.
Genome position (GRCh38, 1-based): chr7:76,302,764, C>A. VCF-style: chr7-76302764-C-A. GRCh37 (hg19) VCF-style: chr7-75932081-C-A.
Other names: short protein forms P18T.
Identifiers: ClinVar variation 1014268 (VCV001014268.8), dbSNP rs1803014417, ClinGen allele CA367762794.

ClinVar aggregate classification (germline): Uncertain significance (1 of 4 stars; one submission).

Conditions:
Charcot-Marie-Tooth disease axonal type 2F (CMT2F). Also called: Charcot-Marie-Tooth Neuropathy Type 2F; CHARCOT-MARIE-TOOTH DISEASE, NEURONAL, TYPE 2F. Identifiers: Orphanet 99940, MedGen C1847823, MONDO:0011687, OMIM 606595.

gnomAD v4.1: 1 of 1,607,604 alleles (0.000062%); highest among the groups gnomAD compares: Non-Finnish European, 0.000085%; no homozygotes.

Submission:

Labcorp Genetics (formerly Invitae), Labcorp
Classification: Uncertain significance for Charcot-Marie-Tooth disease axonal type 2F. Last evaluated: 2022-08-23. Review status: criteria provided, single submitter. Criteria: Invitae Variant Classification Sherloc (09022015). Collection method: clinical testing. Allele origin: germline.
Comment: In summary, the available evidence is currently insufficient to determine the role of this variant in disease. Therefore, it has been classified as a Variant of Uncertain Significance. Algorithms developed to predict the effect of missense changes on protein structure and function are either unavailable or do not agree on the potential impact of this missense change (SIFT: "Deleterious"; PolyPhen-2: "Probably Damaging"; Align-GVGD: "Class C0"). ClinVar contains an entry for this variant (Variation ID: 1014268). This variant has not been reported in the literature in individuals affected with HSPB1-related conditions. This variant is not present in population databases (gnomAD no frequency). This sequence change replaces proline, which is neutral and non-polar, with threonine, which is neutral and polar, at codon 18 of the HSPB1 protein (p.Pro18Thr).